The following is an entry in ClinVar:

NC_000004.11:g.(?_10077002)_(10086174_?)dup

Gene: WDR1 (WD repeat domain 1; minus strand). Cytogenetic location: 4p16.1.
Variant type: Duplication.
Identifiers: ClinVar variation 1412058 (VCV001412058.4).

ClinVar aggregate classification (germline): Uncertain significance (1 of 4 stars; one submission).

Submission:

Labcorp Genetics (formerly Invitae), Labcorp
Classification: Uncertain significance. Last evaluated: 2021-03-10. Review status: criteria provided, single submitter. Criteria: Invitae Variant Classification Sherloc (09022015). Collection method: clinical testing. Allele origin: germline.
Comment: In summary, the available evidence is currently insufficient to determine the role of this variant in disease. Therefore, it has been classified as a Variant of Uncertain Significance. This variant has not been reported in the literature in individuals with WDR1-related conditions. This variant results in a copy number gain of the genomic region encompassing exon(s) 9-15 of the WDR1 gene. The 5' boundary is likely confined to intron 8. The 3' end of this event is unknown as it extends beyond the assayed region for this gene and therefore may encompass additional genes. As the precise location of this event is unknown, it may be in tandem or it may be located elsewhere in the genome.